The following is an entry in ClinVar:

NM_001042492.3(NF1):c.3152del (p.Gly1051fs)

Gene: NF1 (neurofibromin 1; plus strand). Cytogenetic location: 17q11.2.
Variant type: Deletion.
Coding change: c.3152del on transcript NM_001042492.3 (MANE Select); coding-DNA position 3152, one base deleted (G; older notation c.3152delG).
Protein change: p.Gly1051fs; shifts the reading frame from glycine 1051.
Molecular consequence: frameshift variant.
Genome position (GRCh38, 1-based): chr17:31,230,880, G deleted; the last of 3 consecutive G bases (chr17:31,230,878-31,230,880); deleting any one gives the same sequence. VCF-style (leftmost placement, unchanged base first): chr17-31230877-TG-T. GRCh37 (hg19) VCF-style: chr17-29557895-TG-T.
Other names: c.3152delG, p.Gly1051Glufs (NM_000267.4); short protein forms G1051fs.
Identifiers: ClinVar variation 1685975 (VCV001685975.3), dbSNP rs2151432442, ClinGen allele CA2573153333.

ClinVar aggregate classification (germline): Pathogenic. Review status: criteria provided, multiple submitters, no conflicts (2 of 4 stars). 2 submissions from 2 submitters: Pathogenic (2). Last evaluated 2024-02-01.

Conditions:
Neurofibromatosis, type 1 (NF1). Also called: Neurofibromatosis, type I; NEUROFIBROMATOSIS, TYPE I, SOMATIC; VON RECKLINGHAUSEN DISEASE; Peripheral type neurofibromatosis. Identifiers: Orphanet 636, MedGen C0027831, MONDO:0018975, OMIM 162200. Disease mechanism: loss of function.

Submissions (2):

Labcorp Genetics (formerly Invitae), Labcorp
Classification: Pathogenic for Neurofibromatosis, type 1. Last evaluated: 2024-02-01. Review status: criteria provided, single submitter. Criteria: Invitae Variant Classification Sherloc (09022015). Collection method: clinical testing. Allele origin: germline.
Comment: This sequence change creates a premature translational stop signal (p.Gly1051Glufs*11) in the NF1 gene. It is expected to result in an absent or disrupted protein product. Loss-of-function variants in NF1 are known to be pathogenic (PMID: 10712197, 23913538). This variant is not present in population databases (gnomAD no frequency). This variant has not been reported in the literature in individuals affected with NF1-related conditions. ClinVar contains an entry for this variant (Variation ID: 1685975). For these reasons, this variant has been classified as Pathogenic.

Mendelics
Classification: Pathogenic for Neurofibromatosis, type 1. Last evaluated: 2022-05-04. Review status: criteria provided, single submitter. Criteria: Mendelics Assertion Criteria 2019. Collection method: clinical testing. Allele origin: germline.

Literature cited by the submitters: PubMed 10712197 (cited by Labcorp Genetics (formerly Invitae), Labcorp); PubMed 23913538 (cited by Labcorp Genetics (formerly Invitae), Labcorp).